The following is an entry in ClinVar:

NM_001101362.3(KBTBD13):c.245T>A (p.Val82Glu)

Gene: KBTBD13 (kelch repeat and BTB domain containing 13; plus strand). Cytogenetic location: 15q22.31.
Variant type: single nucleotide variant.
Coding change: c.245T>A on transcript NM_001101362.3 (MANE Select); coding-DNA position 245, T replaced by A.
Protein change: p.Val82Glu; replaces valine 82 with glutamic acid.
Molecular consequence: missense variant.
Genome position (GRCh38, 1-based): chr15:65,077,060, T>A. VCF-style: chr15-65077060-T-A. GRCh37 (hg19) VCF-style: chr15-65369398-T-A.
Other names: short protein forms V82E.
Identifiers: ClinVar variation 3637450 (VCV003637450.2).
Genomic context (GRCh38, chr15:65,077,060, plus strand): 5'-TGCAGGTGCTGCGCGGCGACCGGCCGGCGCTGGCGGCGGAGGACGAGCTGCTGCAGGCCG[T>A]GGAGTGCGCCGCCTTCCTCCAGGCGCCGGCGCTGGCTCGCTTTCTGGAGCACAACCTCAC-3'
Protein context (NP_001094832.1, residues 72-92): LAAEDELLQA[Val82Glu]ECAAFLQAPA

ClinVar aggregate classification (germline): Uncertain significance (1 of 4 stars; one submission).

Conditions:
Nemaline myopathy 6 (NEM6). Also called: Nemaline myopathy 6, autosomal dominant. Identifiers: Orphanet 171439, MedGen C1836472, MONDO:0012237, OMIM 609273.

Submission:

Labcorp Genetics (formerly Invitae), Labcorp
Classification: Uncertain significance for Nemaline myopathy 6. Last evaluated: 2024-03-01. Review status: criteria provided, single submitter. Criteria: Invitae Variant Classification Sherloc (09022015). Collection method: clinical testing. Allele origin: germline.
Comment: This sequence change replaces valine, which is neutral and non-polar, with glutamic acid, which is acidic and polar, at codon 82 of the KBTBD13 protein (p.Val82Glu). This variant is not present in population databases (gnomAD no frequency). This variant has not been reported in the literature in individuals affected with KBTBD13-related conditions. Advanced modeling of protein sequence and biophysical properties (such as structural, functional, and spatial information, amino acid conservation, physicochemical variation, residue mobility, and thermodynamic stability) performed at Invitae indicates that this missense variant is expected to disrupt KBTBD13 protein function with a positive predictive value of 80%. In summary, the available evidence is currently insufficient to determine the role of this variant in disease. Therefore, it has been classified as a Variant of Uncertain Significance.